The following is an entry in ClinVar:

NM_173076.3(ABCA12):c.5848C>T (p.Arg1950Ter)

Gene: ABCA12 (ATP binding cassette subfamily A member 12; minus strand). Cytogenetic location: 2q35.
Variant type: single nucleotide variant.
Coding change: c.5848C>T on transcript NM_173076.3 (MANE Select); coding-DNA position 5848, C replaced by T.
Protein change: p.Arg1950Ter; replaces arginine 1950 with a stop codon.
Molecular consequence: nonsense. On other transcripts: non-coding transcript variant (1).
Genome position (GRCh38, 1-based): chr2:214,966,884, G>A on the plus strand (C>T on the coding strand, the complement: ABCA12 is on the minus strand). VCF-style: chr2-214966884-G-A. GRCh37 (hg19) VCF-style: chr2-215831608-G-A.
Other names: c.4894C>T, p.Arg1632Ter (NM_015657.4); short protein forms R1632*, R1950*.
Identifiers: ClinVar variation 2203257 (VCV002203257.7), dbSNP rs375437551, ClinGen allele CA2091093.

ClinVar aggregate classification (germline): Pathogenic. Review status: criteria provided, multiple submitters, no conflicts (2 of 4 stars). 2 submissions from 2 submitters: Pathogenic (2). Last evaluated 2022-09-25.

Conditions:
Autosomal recessive congenital ichthyosis 4A (LI2). Also called: ICHTHYOSIS CONGENITA IIB. Identifiers: Orphanet 313, MedGen C1832550, MONDO:0011026, OMIM 601277.
Autosomal recessive congenital ichthyosis 4B (ARCI4B). Also called: Ichthyosis, congenital, autosomal recessive 4B (harlequin); HARLEQUIN ICHTHYOSIS; Harlequin Fetus; ICHTHYOSIS CONGENITA, HARLEQUIN FETUS TYPE. Identifiers: Orphanet 457, MedGen C0598226, MONDO:0009443, OMIM 242500.

Allele frequency attached by ClinVar (database versions not stated): gnomAD exomes below 0.00001; ExAC 0.00002; ESP Exome Variant Server 0.00008.
gnomAD v4.1: 5 of 1,613,630 alleles (0.00031%); highest among the groups gnomAD compares: East Asian, 0.0022%; no homozygotes.

Submissions (3):

Labcorp Genetics (formerly Invitae), Labcorp
Classification: Pathogenic. Last evaluated: 2022-09-25. Review status: criteria provided, single submitter. Criteria: Invitae Variant Classification Sherloc (09022015). Collection method: clinical testing. Allele origin: germline.
Comment: For these reasons, this variant has been classified as Pathogenic. This sequence change creates a premature translational stop signal (p.Arg1950*) in the ABCA12 gene. It is expected to result in an absent or disrupted protein product. Loss-of-function variants in ABCA12 are known to be pathogenic (PMID: 20672373). This variant is present in population databases (rs375437551, gnomAD 0.006%). This premature translational stop signal has been observed in individual(s) with congenital ichthyosis (PMID: 16007253, 28851938, 32901917). Algorithms developed to predict the effect of sequence changes on RNA splicing suggest that this variant may disrupt the consensus splice site.

Juno Genomics, Hangzhou Juno Genomics, Inc
Classification: Pathogenic for Autosomal recessive congenital ichthyosis 4A; Autosomal recessive congenital ichthyosis 4B. Review status: criteria provided, single submitter. Criteria: ACMG Guidelines, 2015. Collection method: clinical testing. Allele origin: germline. Affected: yes.
Comment: Absent from controls (or at extremely low frequency if recessive) in Genome Aggregation Database, Exome Sequencing Project, 1000 Genomes Project, or Exome Aggregation Consortium.;Null variant in a gene where loss of function (LOF) is a known mechanism of disease.;For recessive disorders, detected in trans with a pathogenic variant.;Patient's phenotype or family history is highly specific for a disease with a single genetic etiology.

Dr. Peter K. Rogan Lab, Western University
No classification provided (evidence only). Condition: Gastric cancer. Review status: no classification provided. Collection method: in vitro. Allele origin: not applicable. Functional consequence: retained intron. Not counted in ClinVar's aggregate classification.

Literature cited by the submitters: PubMed 20672373 (cited by Labcorp Genetics (formerly Invitae), Labcorp); PubMed 16007253 (cited by Labcorp Genetics (formerly Invitae), Labcorp); PubMed 28851938 (cited by Labcorp Genetics (formerly Invitae), Labcorp); PubMed 32901917 (cited by Labcorp Genetics (formerly Invitae), Labcorp).